The following is an entry in ClinVar:

NM_024589.3(ROGDI):c.503T>A (p.Leu168His)

Gene: ROGDI (rogdi atypical leucine zipper; minus strand). Cytogenetic location: 16p13.3.
Variant type: single nucleotide variant.
Coding change: c.503T>A on transcript NM_024589.3 (MANE Select); coding-DNA position 503, T replaced by A.
Protein change: p.Leu168His; replaces leucine 168 with histidine.
Molecular consequence: missense variant. On other transcripts: non-coding transcript variant (1).
Genome position (GRCh38, 1-based): chr16:4,798,597, A>T on the plus strand (T>A on the coding strand, the complement: ROGDI is on the minus strand). VCF-style: chr16-4798597-A-T. GRCh37 (hg19) VCF-style: chr16-4848598-A-T.
Other names: short protein forms L168H.
Identifiers: ClinVar variation 1413678 (VCV001413678.5), dbSNP rs1465183649, ClinGen allele CA394651470.

ClinVar aggregate classification (germline): Uncertain significance (1 of 4 stars; one submission).

Conditions:
Amelocerebrohypohidrotic syndrome (KTZS). Also called: EPILEPSY AND YELLOW TEETH; EPILEPSY, DEMENTIA, AND AMELOGENESIS IMPERFECTA; KOHLSCHUTTER SYNDROME; Kohlschutter's syndrome. Identifiers: Orphanet 1946, MedGen C0406740, MONDO:0009185, OMIM 226750.

Allele frequency attached by ClinVar (database versions not stated): TOPMed 0.00002.
gnomAD v4.1: 5 of 1,570,160 alleles (0.00032%); highest among the groups gnomAD compares: Non-Finnish European, 0.00043%; no homozygotes.

Submission:

Labcorp Genetics (formerly Invitae), Labcorp
Classification: Uncertain significance for Amelocerebrohypohidrotic syndrome. Last evaluated: 2022-07-30. Review status: criteria provided, single submitter. Criteria: Invitae Variant Classification Sherloc (09022015). Collection method: clinical testing. Allele origin: germline.
Comment: This sequence change replaces leucine, which is neutral and non-polar, with histidine, which is basic and polar, at codon 168 of the ROGDI protein (p.Leu168His). This variant is not present in population databases (gnomAD no frequency). This variant has not been reported in the literature in individuals affected with ROGDI-related conditions. ClinVar contains an entry for this variant (Variation ID: 1413678). Algorithms developed to predict the effect of missense changes on protein structure and function (SIFT, PolyPhen-2, Align-GVGD) all suggest that this variant is likely to be disruptive. In summary, the available evidence is currently insufficient to determine the role of this variant in disease. Therefore, it has been classified as a Variant of Uncertain Significance.